The following is an entry in ClinVar:

NC_000002.11:g.(?_211469816)_(211477027_?)del

Gene: CPS1 (carbamoyl-phosphate synthase 1; plus strand). Cytogenetic location: 2q34.
Variant type: Deletion.
Identifiers: ClinVar variation 2424288 (VCV002424288.4).

ClinVar aggregate classification (germline): Pathogenic (1 of 4 stars; one submission).

Conditions:
Congenital hyperammonemia, type I. Also called: Carbamoyl-phosphate synthase I deficiency; CPS I DEFICIENCY; Carbamoyl phosphate synthetase I deficiency disease; Carbamoyl phosphate synthetase 1 deficiency; Hyperammonemia due to carbamoyl phosphate synthetase 1 deficiency; CPS 1 deficiency. Identifiers: Orphanet 147, MedGen C4082171, MONDO:0009376, OMIM 237300.

Submission:

Labcorp Genetics (formerly Invitae), Labcorp
Classification: Pathogenic for Congenital hyperammonemia, type I. Last evaluated: 2022-08-30. Review status: criteria provided, single submitter. Criteria: Invitae Variant Classification Sherloc (09022015). Collection method: clinical testing. Allele origin: germline.
Comment: This variant disrupts a region of the CPS1 protein in which other variant(s) (p.Arg850His) have been determined to be pathogenic (PMID: 15617192, 22575620, 24813853, 27150549). This suggests that this is a clinically significant region of the protein, and that variants that disrupt it are likely to be disease-causing. For these reasons, this variant has been classified as Pathogenic. This variant has not been reported in the literature in individuals affected with CPS1-related conditions. This variant is a gross deletion of the genomic region encompassing exon(s) 17-20 of the CPS1 gene. This variant would be expected to be in-frame, preserving the integrity of the reading frame.

Literature cited by the submitters: PubMed 15617192; PubMed 22575620; PubMed 24813853; PubMed 27150549.